The following is an entry in ClinVar:

ClinVar aggregate classification (germline): Uncertain significance. Review status: criteria provided, multiple submitters, no conflicts (2 of 4 stars). 2 submissions from 2 submitters: Uncertain significance (2). Last evaluated 2024-03-04.

Allele frequency attached by ClinVar (database versions not stated): ExAC 0.00001; gnomAD 0.00001; gnomAD exomes 0.00001; TOPMed 0.00002.
gnomAD v4.1: 8 of 1,581,558 alleles (0.00051%); highest among the groups gnomAD compares: Admixed American, 0.0051%; no homozygotes.

Submissions (2):

Ambry Genetics
Classification: Uncertain significance. Last evaluated: 2024-03-04. Review status: criteria provided, single submitter. Criteria: Ambry Variant Classification Scheme 2023. Collection method: clinical testing. Allele origin: germline.

Labcorp Genetics (formerly Invitae), Labcorp
Classification: Uncertain significance. Last evaluated: 2022-06-25. Review status: criteria provided, single submitter. Criteria: Invitae Variant Classification Sherloc (09022015). Collection method: clinical testing. Allele origin: germline.
Comment: This sequence change replaces histidine, which is basic and polar, with glutamine, which is neutral and polar, at codon 1194 of the CCDC88A protein (p.His1194Gln). This variant is present in population databases (rs750799928, gnomAD 0.0009%). This variant has not been reported in the literature in individuals affected with CCDC88A-related conditions. Algorithms developed to predict the effect of missense changes on protein structure and function are either unavailable or do not agree on the potential impact of this missense change (SIFT: "Tolerated"; PolyPhen-2: "Probably Damaging"; Align-GVGD: "Class C0"). In summary, the available evidence is currently insufficient to determine the role of this variant in disease. Therefore, it has been classified as a Variant of Uncertain Significance.

NM_001365480.1(CCDC88A):c.3585T>G (p.His1195Gln)

Gene: CCDC88A (coiled-coil domain containing 88A; minus strand). Cytogenetic location: 2p16.1.
Variant type: single nucleotide variant.
Coding change: c.3585T>G on transcript NM_001365480.1 (MANE Select); coding-DNA position 3585, T replaced by G.
Protein change: p.His1195Gln; replaces histidine 1195 with glutamine.
Molecular consequence: missense variant.
Genome position (GRCh38, 1-based): chr2:55,317,581, A>C on the plus strand (T>G on the coding strand, the complement: CCDC88A is on the minus strand). VCF-style: chr2-55317581-A-C. GRCh37 (hg19) VCF-style: chr2-55544717-A-C.
Other names: c.3582T>G, p.His1194Gln (NM_001135597.2, NM_001254943.2); c.3585T>G, p.His1195Gln (NM_018084.5); c.3582T>G (NM_001135597.1); short protein forms H1195Q, H1194Q.
Identifiers: ClinVar variation 1416997 (VCV001416997.4), dbSNP rs750799928, ClinGen allele CA1665742.